The following is an entry in ClinVar:

ClinVar aggregate classification (germline): Conflicting classifications of pathogenicity. Review status: criteria provided, conflicting classifications (1 of 4 stars). 5 submissions from 5 submitters: Likely pathogenic (1); Uncertain significance (3). 1 of the submissions does not count toward it. Last evaluated 2025-11-12.

Conditions:
ACVRL1-related disorder. Also called: ACVRL1-related condition; ACVRL1-related disorders.
Haemorrhagic telangiectasia 2.
Telangiectasia, hereditary hemorrhagic, type 2 (HHT2). Also called: ACVRL1-Related Hereditary Hemorrhagic Telangiectasia; Telangiectasia, hereditary hemorrhagic, type II. Identifiers: Orphanet 774, MedGen C1838163, MONDO:0010880, OMIM 600376. Disease mechanism: loss of function.

Allele frequency attached by ClinVar (database versions not stated): ExAC 0.00001; gnomAD exomes 0.00002; ESP Exome Variant Server 0.00008; TOPMed 0.00012; gnomAD 0.00014 and 0.00016.
gnomAD v4.1: 56 of 1,614,058 alleles (0.0035%); highest among the groups gnomAD compares: African/African-American, 0.051%; no homozygotes.

Submissions (5):

PreventionGenetics, part of Exact Sciences
Classification: Uncertain significance for ACVRL1-related condition. Last evaluated: 2025-11-12. Review status: criteria provided, single submitter. Criteria: ACMG Guidelines, 2015. Collection method: clinical testing. Allele origin: germline.
Comment: The ACVRL1 c.1157G>A variant is predicted to result in the amino acid substitution p.Arg386His. This variant has been reported to segregate with hereditary hemorrhagic telangiectasia (HHT); the proband presented with HHT as well as epistaxis and pulmonary arteriovenous malformations (Family 94, Abdalla et al. 2005. PubMed ID: 15712271). This variant has also been reported as a likely pathogenic incidental finding in an individual who underwent exome sequencing (Supplementary Table 1, Amendola et al. 2015. PubMed ID: 25637381). Functional studies reveal this variant does not impact protein localization, but may impact kinase activity (Hume et al. 2013. PubMed ID: 23124896). This variant is reported in 0.036% of alleles in individuals of African descent in gnomAD. However, in gnomAD v4 (available only on GRCh38), this variant is reported in 56 alleles. This population data is inconsistent with this variant being a primary cause of disease. Although we suspect that this variant may be pathogenic, at this time, the clinical significance of this variant is uncertain due to the absence of conclusive functional and genetic evidence.

Johns Hopkins Genomics, Johns Hopkins University
Classification: Uncertain significance for Telangiectasia, hereditary hemorrhagic, type 2. Last evaluated: 2024-06-16. Review status: criteria provided, single submitter. Criteria: ACMG Guidelines, 2015. Collection method: clinical testing. Allele origin: germline.
Comment: This ACVRL1 variant (rs141764916) is rare (<0.1%) in a large population dataset (gnomADv2.1.1: 10/282734 total alleles; 0.0035%; no homozygotes) and has been reported in ClinVar. This variant has been reported in the literature in at least one family with clinical features of hereditary hemorrhagic telangiectasia. Of two bioinformatics tools queried, one predicts that the substitution would be damaging, while another predicts that it would be tolerated. The arginine residue at this position is conserved across most vertebrate species assessed, but histidine appears at this position in at least one species. Bioinformatic analysis predicts that this missense variant would not affect normal exon 8 splicing, although this has not been confirmed experimentally to our knowledge. Due to insufficient evidence that this variant is deleterious, we consider the clinical significance of c.1157G>A, p.Arg386His to be uncertain at this time.

Labcorp Genetics (formerly Invitae), Labcorp
Classification: Likely pathogenic for Telangiectasia, hereditary hemorrhagic, type 2. Last evaluated: 2022-11-29. Review status: criteria provided, single submitter. Criteria: Invitae Variant Classification Sherloc (09022015). Collection method: clinical testing. Allele origin: germline.
Comment: This sequence change replaces arginine, which is basic and polar, with histidine, which is basic and polar, at codon 386 of the ACVRL1 protein (p.Arg386His). This variant is present in population databases (rs141764916, gnomAD 0.04%). In summary, the currently available evidence indicates that the variant is pathogenic, but additional data are needed to prove that conclusively. Therefore, this variant has been classified as Likely Pathogenic. Experimental studies are conflicting or provide insufficient evidence to determine the effect of this variant on ACVRL1 function (PMID: 23124896). This missense change has been observed in individual(s) with clinical features of hereditary hemorrhagic telangiectasia (PMID: 15712271). ClinVar contains an entry for this variant (Variation ID: 161203). Advanced modeling of protein sequence and biophysical properties (such as structural, functional, and spatial information, amino acid conservation, physicochemical variation, residue mobility, and thermodynamic stability) performed at Invitae indicates that this missense variant is expected to disrupt ACVRL1 protein function.

Blueprint Genetics
Classification: Uncertain significance. Last evaluated: 2021-04-19. Review status: criteria provided, single submitter. Criteria: ACMG Guidelines, 2015. Collection method: clinical testing. Allele origin: germline.

CSER _CC_NCGL, University of Washington
Classification: Likely pathogenic for Haemorrhagic telangiectasia 2. Last evaluated: 2014-06-01. Review status: no assertion criteria provided. Collection method: research. Allele origin: germline. Inheritance: Autosomal dominant inheritance. Study: ESP 6500 variant annotation. Not counted in ClinVar's aggregate classification.
Comment: Variants classified for the Actionable exomic incidental findings in 6503 participants: challenges of variant classification manuscript

Literature cited by the submitters: PubMed 15712271 (cited by Johns Hopkins Genomics, Johns Hopkins University and Labcorp Genetics (formerly Invitae), Labcorp); PubMed 15879500 (cited by Johns Hopkins Genomics, Johns Hopkins University); PubMed 23124896 (cited by Johns Hopkins Genomics, Johns Hopkins University and Labcorp Genetics (formerly Invitae), Labcorp).

NM_000020.3(ACVRL1):c.1157G>A (p.Arg386His)

Gene: ACVRL1 (activin A receptor like type 1; plus strand). Cytogenetic location: 12q13.13.
Variant type: single nucleotide variant.
Coding change: c.1157G>A on transcript NM_000020.3 (MANE Select); coding-DNA position 1157, G replaced by A.
Protein change: p.Arg386His; replaces arginine 386 with histidine.
Molecular consequence: missense variant.
Genome position (GRCh38, 1-based): chr12:51,916,144, G>A. VCF-style: chr12-51916144-G-A. GRCh37 (hg19) VCF-style: chr12-52309928-G-A.
Other names: c.1157G>A, p.Arg386His (NM_001077401.2); short protein forms R386H.
Identifiers: ClinVar variation 161203 (VCV000161203.9), dbSNP rs141764916, ClinGen allele CA211329.